The following is an entry in ClinVar:

NM_181523.3(PIK3R1):c.532G>T (p.Asp178Tyr)

Gene: PIK3R1 (phosphoinositide-3-kinase regulatory subunit 1; plus strand). Cytogenetic location: 5q13.1.
Variant type: single nucleotide variant.
Coding change: c.532G>T on transcript NM_181523.3 (MANE Select); coding-DNA position 532, G replaced by T.
Protein change: p.Asp178Tyr; replaces aspartic acid 178 with tyrosine.
Molecular consequence: missense variant.
Genome position (GRCh38, 1-based): chr5:68,279,631, G>T. VCF-style: chr5-68279631-G-T. GRCh37 (hg19) VCF-style: chr5-67575459-G-T.
Other names: short protein forms D178Y.
Identifiers: ClinVar variation 2135022 (VCV002135022.4), dbSNP rs751832841, ClinGen allele CA359873790.

ClinVar aggregate classification (germline): Uncertain significance (1 of 4 stars; one submission).

Conditions:
Agammaglobulinemia 7, autosomal recessive (AGM7). Also called: AGAMMAGLOBULINEMIA, AUTOSOMAL RECESSIVE, DUE TO PIK3R1 DEFECT. Identifiers: MedGen C3554689, MONDO:0014083, OMIM 615214.
SHORT syndrome. Also called: PIK3R1-Related SHORT Syndrome; LIPODYSTROPHY, PARTIAL, WITH RIEGER ANOMALY AND SHORT STATURE; SHORT STATURE, HYPEREXTENSIBILITY, HERNIA, OCULAR DEPRESSION, RIEGER ANOMALY, AND TEETHING DELAY. Identifiers: Orphanet 3163, MedGen C0878684, MONDO:0010026, OMIM 269880.
Immunodeficiency 36 with lymphoproliferation. Also called: Activated PI3K Delta Syndrome Type 2 (APDS2); Immunodeficiency 36; ACTIVATED PI3K-DELTA SYNDROME 2. Identifiers: Orphanet 397596, Orphanet 693681, MedGen C4014934, MONDO:0014453, OMIM 616005.

Submission:

Labcorp Genetics (formerly Invitae), Labcorp
Classification: Uncertain significance for SHORT syndrome; Immunodeficiency 36 with lymphoproliferation; Agammaglobulinemia 7, autosomal recessive. Last evaluated: 2022-05-07. Review status: criteria provided, single submitter. Criteria: Invitae Variant Classification Sherloc (09022015). Collection method: clinical testing. Allele origin: germline.
Comment: This variant is not present in population databases (gnomAD no frequency). This sequence change replaces aspartic acid, which is acidic and polar, with tyrosine, which is neutral and polar, at codon 178 of the PIK3R1 protein (p.Asp178Tyr). This variant has not been reported in the literature in individuals affected with PIK3R1-related conditions. Algorithms developed to predict the effect of missense changes on protein structure and function are either unavailable or do not agree on the potential impact of this missense change (SIFT: "Deleterious"; PolyPhen-2: "Probably Damaging"; Align-GVGD: "Class C0"). In summary, the available evidence is currently insufficient to determine the role of this variant in disease. Therefore, it has been classified as a Variant of Uncertain Significance.